The following is an entry in ClinVar:

ClinVar aggregate classification (germline): Uncertain significance. Review status: criteria provided, multiple submitters, no conflicts (2 of 4 stars). 2 submissions from 2 submitters: Uncertain significance (2). Last evaluated 2026-04-14.

Conditions:
Familial intrahepatic cholestasis. Identifiers: Orphanet 284385, MedGen CN296401, MONDO:0017290.
Cholestasis, intrahepatic, of pregnancy, 3. Identifiers: Orphanet 69665, MedGen C3554241, MONDO:0013995, OMIM 614972.

Submissions (2):

Genomenon, Inc
Classification: Uncertain significance for Familial intrahepatic cholestasis. Last evaluated: 2026-04-14. Review status: criteria provided, single submitter. Criteria: Genomenon Sequence Variant Interpretation Standards - Updated. Collection method: curation. Allele origin: germline. Affected: yes.
Comment: ABCB4 p.Phe970Leu (c.2908T>C) is a missense variant that changes the amino acid at residue 970 from Phenylalanine to Leucine. This variant has been observed in at least one proband with an ABCB4-related disorder (PMID:39132680;33915153). It is absent or not present at a significant frequency in gnomAD. In silico models predict that this variant is possibly or probably damaging. In conclusion, we classify ABCB4 p.Phe970Leu (c.2908T>C) as a variant of uncertain significance.

Genomic Medicine Center of Excellence, King Faisal Specialist Hospital and Research Centre
Classification: Uncertain significance for Cholestasis, intrahepatic, of pregnancy, 3. Last evaluated: 2024-09-22. Review status: criteria provided, single submitter. Criteria: ACMG Guidelines, 2015. Collection method: clinical testing. Allele origin: germline.

Literature cited by the submitters: PubMed 39132680 (cited by Genomenon, Inc); PubMed 33915153 (cited by Genomenon, Inc).

NM_000443.4(ABCB4):c.2908T>C (p.Phe970Leu)

Gene: ABCB4 (ATP binding cassette subfamily B member 4; minus strand). Cytogenetic location: 7q21.12.
Variant type: single nucleotide variant.
Coding change: c.2908T>C on transcript NM_000443.4 (MANE Select); coding-DNA position 2908, T replaced by C.
Protein change: p.Phe970Leu; replaces phenylalanine 970 with leucine.
Molecular consequence: missense variant. On other transcripts: intron variant (1).
Genome position (GRCh38, 1-based): chr7:87,411,909, A>G on the plus strand (T>C on the coding strand, the complement: ABCB4 is on the minus strand). VCF-style: chr7-87411909-A-G. GRCh37 (hg19) VCF-style: chr7-87041225-A-G.
Other names: c.2908T>C, p.Phe970Leu (NM_018849.3); c.2783+1708T>C (NM_018850.3); short protein forms F970L.
Identifiers: ClinVar variation 3362475 (VCV003362475.2).